The following is an entry in ClinVar:

ClinVar aggregate classification (germline): Uncertain significance. Review status: criteria provided, multiple submitters, no conflicts (2 of 4 stars). 3 submissions from 3 submitters: Uncertain significance (2). 1 of the submissions does not count toward it. Last evaluated 2024-10-25.

Conditions:
VIPAS39-related disorder. Also called: VIPAS39-related condition.

Allele frequency attached by ClinVar (database versions not stated): gnomAD exomes 0.00001 and 0.00004; TOPMed 0.00002; ExAC 0.00006; gnomAD 0.00001.
gnomAD v4.1: 9 of 1,614,006 alleles (0.00056%); highest among the groups gnomAD compares: Admixed American, 0.015%; no homozygotes.

Submissions (3):

GeneDx
Classification: Uncertain significance. Last evaluated: 2024-10-25. Review status: criteria provided, single submitter. Criteria: GeneDx Variant Classification Process June 2021. Collection method: clinical testing. Allele origin: germline. Affected: yes.
Comment: In silico analysis indicates that this variant does not alter splicing; Has not been previously published as pathogenic or benign to our knowledge

Eurofins Ntd Llc (ga)
Classification: Uncertain significance. Last evaluated: 2017-03-21. Review status: criteria provided, single submitter. Criteria: EGL Classification Definitions 2015. Collection method: clinical testing. Allele origin: germline. Observed: 2 variant alleles, 2 heterozygotes.

PreventionGenetics, part of Exact Sciences
Classification: Likely benign for VIPAS39-related condition. Last evaluated: 2021-10-06. Review status: no assertion criteria provided. Collection method: clinical testing. Allele origin: germline. Not counted in ClinVar's aggregate classification.
Comment: This variant is classified as likely benign based on ACMG/AMP sequence variant interpretation guidelines (Richards et al. 2015 PMID: 25741868, with internal and published modifications).

NM_001193315.2(VIPAS39):c.1266+5T>C

Gene: VIPAS39 (VPS33B interacting protein, apical-basolateral polarity regulator, spe-39 homolog; minus strand). Cytogenetic location: 14q24.3.
Variant type: single nucleotide variant.
Coding change: c.1266+5T>C on transcript NM_001193315.2 (MANE Select); 5 bases into the intron after coding-DNA position 1266, T replaced by C.
Molecular consequence: intron variant.
Genome position (GRCh38, 1-based): chr14:77,429,676, A>G on the plus strand (T>C on the coding strand, the complement: VIPAS39 is on the minus strand). VCF-style: chr14-77429676-A-G. GRCh37 (hg19) VCF-style: chr14-77896019-A-G.
Other names: c.1119+5T>C (NM_001193316.2); c.1266+5T>C (NM_022067.4, NM_001193317.2, NM_001193314.2 and 1 more transcripts).
Identifiers: ClinVar variation 500964 (VCV000500964.8), dbSNP rs762123926, ClinGen allele CA7287782.